The following is an entry in ClinVar:

NM_139027.6(ADAMTS13):c.356C>T (p.Ser119Phe)

Gene: ADAMTS13 (ADAM metallopeptidase with thrombospondin type 1 motif 13; plus strand). Cytogenetic location: 9q34.2.
Variant type: single nucleotide variant.
Coding change: c.356C>T on transcript NM_139027.6 (MANE Select); coding-DNA position 356, C replaced by T.
Protein change: p.Ser119Phe; replaces serine 119 with phenylalanine.
Molecular consequence: missense variant. On other transcripts: non-coding transcript variant (1).
Genome position (GRCh38, 1-based): chr9:133,425,554, C>T. VCF-style: chr9-133425554-C-T. GRCh37 (hg19) VCF-style: chr9-136290674-C-T.
Other names: c.356C>T, p.Ser119Phe (NM_139025.5, NM_139026.6); short protein forms S119F.
Identifiers: ClinVar variation 68817 (VCV000068817.2), dbSNP rs281875291, ClinGen allele CA220028.

ClinVar aggregate classification (germline): Likely pathogenic. Review status: criteria provided, single submitter (1 of 4 stars). 2 submissions from 2 submitters: Likely pathogenic (1). 1 of the submissions does not count toward it. Last evaluated 2020-01-01.

Conditions:
Upshaw-Schulman syndrome (TTP). Also called: Congenital thrombotic thrombocytopenic purpura; THROMBOTIC THROMBOCYTOPENIC PURPURA, HEREDITARY. Identifiers: Orphanet 93583, MedGen C1268935, MONDO:0010122, OMIM 274150.

Submissions (2):

ISTH-SSC Genomics in Thrombosis and Hemostasis, KU Leuven, Center for Molecular and Vascular Biology
Classification: Likely pathogenic for Upshaw-Schulman syndrome. Last evaluated: 2020-01-01. Review status: criteria provided, single submitter. Criteria: ACMG Guidelines, 2015. Collection method: clinical testing. Allele origin: unknown. Affected: yes.
Comment: Submitted to GoldVariant by Kathleen Freson, Center for Molecular and Vascular Biology, Leuven, Belgium

UniProtKB/Swiss-Prot
No classification provided. Review status: no classification provided. Collection method: not provided. Allele origin: not provided. Not counted in ClinVar's aggregate classification.

Literature cited by the submitters: PubMed 34355501 (cited by ISTH-SSC Genomics in Thrombosis and Hemostasis, KU Leuven, Center for Molecular and Vascular Biology).